The following is an entry in ClinVar:

ClinVar aggregate classification (germline): Benign/Likely benign. Review status: criteria provided, multiple submitters, no conflicts (2 of 4 stars). 4 submissions from 4 submitters: Benign (1); Likely benign (3). Last evaluated 2025-01-14.

Conditions:
Hereditary cancer-predisposing syndrome. Also called: Hereditary neoplastic syndrome; Tumor predisposition; Hereditary Cancer Syndrome; Neoplastic Syndromes, Hereditary. Identifiers: Orphanet 140162, MedGen C0027672, MeSH D009386, MONDO:0015356.
Familial cancer of breast. Also called: hereditary breast carcinoma; Hereditary breast cancer; BREAST CANCER, FAMILIAL. Identifiers: Orphanet 227535, MedGen C0346153, MONDO:0016419, OMIM 114480. Disease mechanism: loss of function.

Allele frequency attached by ClinVar (database versions not stated): gnomAD exomes below 0.00001.
gnomAD v4.1: 1 of 1,614,152 alleles (0.000062%); highest among the groups gnomAD compares: Non-Finnish European, 0.000085%; no homozygotes.

Submissions (4):

Myriad Genetics, Inc.
Classification: Benign for Familial cancer of breast. Last evaluated: 2025-01-14. Review status: criteria provided, single submitter. Criteria: Myriad Autosomal Dominant, Autosomal Recessive and X-Linked Classification Criteria (2023). Collection method: clinical testing. Allele origin: unknown.
Comment: This variant is considered benign. This variant is a silent/synonymous amino acid change and it is not expected to impact splicing.

Labcorp Genetics (formerly Invitae), Labcorp
Classification: Likely benign for Familial cancer of breast. Last evaluated: 2024-07-03. Review status: criteria provided, single submitter. Criteria: Invitae Variant Classification Sherloc (09022015). Collection method: clinical testing. Allele origin: germline.

Women's Health and Genetics/Laboratory Corporation of America, LabCorp
Classification: Likely benign. Last evaluated: 2023-02-13. Review status: criteria provided, single submitter. Criteria: LabCorp Variant Classification Summary - May 2015. Collection method: clinical testing. Allele origin: germline.

Ambry Genetics
Classification: Likely benign for Hereditary cancer-predisposing syndrome. Last evaluated: 2017-10-16. Review status: criteria provided, single submitter. Criteria: Ambry Variant Classification Scheme 2023. Collection method: clinical testing. Allele origin: germline.

NM_024675.4(PALB2):c.1758T>C (p.Asp586=)

Gene: PALB2 (partner and localizer of BRCA2; minus strand). Cytogenetic location: 16p12.2.
Variant type: single nucleotide variant.
Coding change: c.1758T>C on transcript NM_024675.4 (MANE Select); coding-DNA position 1758, T replaced by C.
Protein change: p.Asp586=; no amino-acid change (aspartic acid 586 retained).
Molecular consequence: synonymous variant.
Genome position (GRCh38, 1-based): chr16:23,630,396, A>G on the plus strand (T>C on the coding strand, the complement: PALB2 is on the minus strand). VCF-style: chr16-23630396-A-G. GRCh37 (hg19) VCF-style: chr16-23641717-A-G.
Identifiers: ClinVar variation 220529 (VCV000220529.17), dbSNP rs864622567, ClinGen allele CA349655.